The following is an entry in ClinVar:

ClinVar aggregate classification (germline): Likely benign (1 of 4 stars; one submission).

Submission:

CeGaT Center for Human Genetics Tuebingen
Classification: Likely benign. Last evaluated: 2022-05-01. Review status: criteria provided, single submitter. Criteria: CeGaT Center For Human Genetics Tuebingen Variant Classification Criteria Version 2. Collection method: clinical testing. Allele origin: germline. Affected: yes. Observed: 1 variant allele.
Comment: FMR1: PM2:Supporting, BP4, BP7

NM_002024.6(FMR1):c.795T>C (p.Tyr265=)

Gene: FMR1 (fragile X messenger ribonucleoprotein 1; plus strand). Cytogenetic location: Xq27.3.
Variant type: single nucleotide variant.
Coding change: c.795T>C on transcript NM_002024.6 (MANE Select); coding-DNA position 795, T replaced by C.
Protein change: p.Tyr265=; no amino-acid change (tyrosine 265 retained).
Molecular consequence: synonymous variant. On other transcripts: non-coding transcript variant (2).
Genome position (GRCh38, 1-based): chrX:147,932,589, T>C. VCF-style: chrX-147932589-T-C. GRCh37 (hg19) VCF-style: chrX-147014108-T-C.
Other names: c.795T>C, p.Tyr265= (NM_001185075.2, NM_001185076.2, NM_001185081.2 and 1 more transcripts).
Identifiers: ClinVar variation 2661592 (VCV002661592.24), dbSNP rs2521362473, ClinGen allele CA518860620.